The following is an entry in ClinVar:

ClinVar aggregate classification (germline): Conflicting classifications of pathogenicity. Review status: criteria provided, conflicting classifications (1 of 4 stars). 6 submissions from 6 submitters: Uncertain significance (4); Likely benign (2). Last evaluated 2026-01-15.

Conditions:
COL4A5-related disorder. Also called: COL4A5-related condition.
Inborn genetic diseases. Identifiers: MedGen C0950123, MeSH D030342.
X-linked Alport syndrome (ATS1). Also called: NEPHROPATHY AND DEAFNESS, X-LINKED; COL4A5-Related Nephropathy. Identifiers: Orphanet 63, Orphanet 88917, MedGen C4746986, MONDO:0010520, OMIM 301050.

Allele frequency attached by ClinVar (database versions not stated): TOPMed 0.00002; gnomAD exomes 0.00004 and 0.00008; gnomAD 0.00005; ExAC 0.00008.
gnomAD v4.1: 90 of 1,208,811 alleles (0.0074%); highest among the groups gnomAD compares: Middle Eastern, 0.069%; no homozygotes.

Submissions (6):

Labcorp Genetics (formerly Invitae), Labcorp
Classification: Likely benign. Last evaluated: 2026-01-15. Review status: criteria provided, single submitter. Criteria: Invitae Variant Classification Sherloc (09022015). Collection method: clinical testing. Allele origin: germline.

GeneDx
Classification: Uncertain significance. Last evaluated: 2025-05-08. Review status: criteria provided, single submitter. Criteria: GeneDx Variant Classification Process June 2021. Collection method: clinical testing. Allele origin: germline. Affected: yes.
Comment: In silico analysis supports that this missense variant has a deleterious effect on protein structure/function; Occurs in the triple helical domain at the Y position in the canonical Gly-X-Y repeat; although this variant may have an effect on normal protein folding and function, missense substitution at the Y position is not a common mechanism of disease; Has not been previously published as pathogenic or benign to our knowledge

Ambry Genetics
Classification: Uncertain significance for Inborn genetic diseases. Last evaluated: 2025-03-04. Review status: criteria provided, single submitter. Criteria: Ambry Variant Classification Scheme 2023. Collection method: clinical testing. Allele origin: germline.

Mayo Clinic Laboratories, Mayo Clinic
Classification: Uncertain significance. Last evaluated: 2024-05-07. Review status: criteria provided, single submitter. Criteria: ACMG Guidelines, 2015. Collection method: clinical testing. Allele origin: germline. Observed: 1 variant allele.

PreventionGenetics, part of Exact Sciences
Classification: Uncertain significance for COL4A5-related condition. Last evaluated: 2023-01-17. Review status: criteria provided, single submitter. Criteria: ACMG Guidelines, 2015. Collection method: clinical testing. Allele origin: germline.
Comment: The COL4A5 c.2348C>T variant is predicted to result in the amino acid substitution p.Pro783Leu. To our knowledge, this variant has not been reported in the literature. This variant is reported in 0.0067% of alleles in individuals of East Asian descent in gnomAD and 3 hemizygotes. Although we suspect this variant could be benign, at this time, the clinical significance of this variant is uncertain due to the absence of conclusive functional and genetic evidence.

Fulgent Genetics
Classification: Likely benign for X-linked Alport syndrome. Last evaluated: 2022-02-03. Review status: criteria provided, single submitter. Criteria: ACMG Guidelines, 2015. Collection method: clinical testing. Allele origin: unknown.

NM_033380.3(COL4A5):c.2348C>T (p.Pro783Leu)

Gene: COL4A5 (collagen type IV alpha 5 chain; plus strand). Cytogenetic location: Xq22.3.
Variant type: single nucleotide variant.
Coding change: c.2348C>T on transcript NM_033380.3 (MANE Select); coding-DNA position 2348, C replaced by T.
Protein change: p.Pro783Leu; replaces proline 783 with leucine.
Molecular consequence: missense variant.
Genome position (GRCh38, 1-based): chrX:108,606,845, C>T. VCF-style: chrX-108606845-C-T. GRCh37 (hg19) VCF-style: chrX-107850075-C-T.
Other names: p.Pro783Leu; c.2348C>T (NM_033380.1, NM_000495.4, NM_000495.3); c.2348C>T, p.Pro783Leu (NM_000495.5); short protein forms P783L.
Identifiers: ClinVar variation 1126239 (VCV001126239.14), dbSNP rs747288279, ClinGen allele CA10488896.